The following is an entry in ClinVar:

NM_007126.5(VCP):c.782A>C (p.Glu261Ala)

Gene: VCP (valosin containing protein; minus strand). Cytogenetic location: 9p13.3.
Variant type: single nucleotide variant.
Coding change: c.782A>C on transcript NM_007126.5 (MANE Select); coding-DNA position 782, A replaced by C.
Protein change: p.Glu261Ala; replaces glutamic acid 261 with alanine.
Molecular consequence: missense variant.
Genome position (GRCh38, 1-based): chr9:35,063,007, T>G on the plus strand (A>C on the coding strand, the complement: VCP is on the minus strand). VCF-style: chr9-35063007-T-G. GRCh37 (hg19) VCF-style: chr9-35063004-T-G.
Other names: c.647A>C, p.Glu216Ala (NM_001354927.2, NM_001354928.2); short protein forms E216A, E261A.
Identifiers: ClinVar variation 3251039 (VCV003251039.18), dbSNP rs2490360176.

ClinVar aggregate classification (germline): Likely pathogenic (1 of 4 stars; one submission).

Submission:

CeGaT Center for Human Genetics Tuebingen
Classification: Likely pathogenic. Last evaluated: 2024-06-01. Review status: criteria provided, single submitter. Criteria: CeGaT Center For Human Genetics Tuebingen Variant Classification Criteria Version 2. Collection method: clinical testing. Allele origin: germline. Affected: yes. Observed: 1 variant allele.
Comment: VCP: PM1, PM2, PP2, PP3